The following is an entry in ClinVar:

ClinVar aggregate classification (germline): Uncertain significance. Review status: criteria provided, multiple submitters, no conflicts (2 of 4 stars). 2 submissions from 2 submitters: Uncertain significance (2). Last evaluated 2024-03-20.

Conditions:
Inborn genetic diseases. Identifiers: MedGen C0950123, MeSH D030342.

Allele frequency attached by ClinVar (database versions not stated): gnomAD exomes below 0.00001 and 0.00002.
gnomAD v4.1: 31 of 1,614,168 alleles (0.0019%); highest among the groups gnomAD compares: East Asian, 0.062%; no homozygotes.

Submissions (2):

Labcorp Genetics (formerly Invitae), Labcorp
Classification: Uncertain significance. Last evaluated: 2024-03-20. Review status: criteria provided, single submitter. Criteria: Invitae Variant Classification Sherloc (09022015). Collection method: clinical testing. Allele origin: germline.
Comment: This sequence change replaces threonine, which is neutral and polar, with alanine, which is neutral and non-polar, at codon 903 of the TCF20 protein (p.Thr903Ala). This variant is not present in population databases (gnomAD no frequency). This variant has not been reported in the literature in individuals affected with TCF20-related conditions. ClinVar contains an entry for this variant (Variation ID: 985812). An algorithm developed to predict the effect of missense changes on protein structure and function (PolyPhen-2) suggests that this variant is likely to be tolerated. In summary, the available evidence is currently insufficient to determine the role of this variant in disease. Therefore, it has been classified as a Variant of Uncertain Significance.

Ambry Genetics
Classification: Uncertain significance for Inborn genetic diseases. Last evaluated: 2020-02-27. Review status: criteria provided, single submitter. Criteria: Ambry Variant Classification Scheme 2023. Collection method: clinical testing. Allele origin: germline.
Comment: The alteration results in an amino acid change:_x000D_ _x000D_ The c.2707A>G (p.T903A) alteration is located in coding exon 1 of the TCF20 gene. This alteration results from a A to G substitution at nucleotide position 2707, causing thethreonine (T) at amino acid position 903 to be replaced by an alanine (A). The alteration has been observed in population databases:_x000D_ _x000D_ Based on data from the Genome Aggregation Database (gnomAD), the TCF20 c.2707A>G alteration was observed in 0.0004% (1/251260) of total alleles studied. The altered amino acid is not conserved throughout evolution:_x000D_ _x000D_ The p.T903 amino acid is not conserved in available vertebrate species. The alteration is predicted tolerated by in silico modeling:_x000D_ _x000D_ The p.T903A alteration is predicted to be tolerated by in silico analysis. Based on insufficient or conflicting evidence, the clinical significance of this alteration remains unclear.

NM_001378418.1(TCF20):c.2707A>G (p.Thr903Ala)

Gene: TCF20 (transcription factor 20; minus strand). Cytogenetic location: 22q13.2.
Variant type: single nucleotide variant.
Coding change: c.2707A>G on transcript NM_001378418.1 (MANE Select); coding-DNA position 2707, A replaced by G.
Protein change: p.Thr903Ala; replaces threonine 903 with alanine.
Molecular consequence: missense variant.
Genome position (GRCh38, 1-based): chr22:42,212,599, T>C on the plus strand (A>G on the coding strand, the complement: TCF20 is on the minus strand). VCF-style: chr22-42212599-T-C. GRCh37 (hg19) VCF-style: chr22-42608605-T-C.
Other names: c.2707A>G, p.Thr903Ala (NM_005650.4, NM_181492.3); short protein forms T903A.
Identifiers: ClinVar variation 985812 (VCV000985812.6), dbSNP rs1314212425, ClinGen allele CA411788069.
Genomic context (GRCh38, chr22:42,212,599, plus strand): 5'-ATTTCAGCTTGGTTTCCATGGACACCAAACCACCAGGAAGAATGACCGACTGACTTAAAG[T>C]TGGATTGAGACGGTCATTCCTCCCAATTCTGGTGTCGGCACTCATGTGTCCCAGTGAGTG-3'
Protein context (NP_001365347.1, residues 893-913): RIGRNDRLNP[Thr903Ala]LSQSVILPGG